The following is an entry in ClinVar:

NM_004304.5(ALK):c.667+4A>G

Gene: ALK (ALK receptor tyrosine kinase; minus strand). Cytogenetic location: 2p23.1.
Variant type: single nucleotide variant.
Coding change: c.667+4A>G on transcript NM_004304.5 (MANE Select); 4 bases into the intron after coding-DNA position 667, A replaced by G.
Molecular consequence: intron variant.
Genome position (GRCh38, 1-based): chr2:29,919,989, T>C on the plus strand (A>G on the coding strand, the complement: ALK is on the minus strand). VCF-style: chr2-29919989-T-C. GRCh37 (hg19) VCF-style: chr2-30142855-T-C.
Other names: c.667+4A>G (NM_004304.4).
Identifiers: ClinVar variation 2704634 (VCV002704634.5), dbSNP rs2148442779, ClinGen allele CA2697547969.

ClinVar aggregate classification (germline): Uncertain significance. Review status: criteria provided, multiple submitters, no conflicts (2 of 4 stars). 3 submissions from 3 submitters: Uncertain significance (3). Last evaluated 2025-12-08.

Conditions:
Hereditary cancer-predisposing syndrome. Also called: Neoplastic Syndromes, Hereditary; Hereditary neoplastic syndrome; Tumor predisposition; Hereditary Cancer Syndrome. Identifiers: Orphanet 140162, MedGen C0027672, MeSH D009386, MONDO:0015356.
Neuroblastoma, susceptibility to, 3. Also called: ALK-Related Neuroblastic Tumor Susceptibility. Identifiers: Orphanet 635, MedGen C2751681, MONDO:0013083, OMIM 613014.

Submissions (3):

Ambry Genetics
Classification: Uncertain significance for Hereditary cancer-predisposing syndrome. Last evaluated: 2025-12-08. Review status: criteria provided, single submitter. Criteria: Ambry Variant Classification Scheme 2023. Collection method: clinical testing. Allele origin: germline.
Comment: The c.667+4A>G intronic variant results from an A to G substitution 4 nucleotides after coding exon 1 in the ALK gene. This nucleotide position is highly conserved in available vertebrate species. In silico splice site analysis predicts that this alteration will weaken the native splice donor site. Based on the available evidence, the clinical significance of this variant remains unclear.

Labcorp Genetics (formerly Invitae), Labcorp
Classification: Uncertain significance for Neuroblastoma, susceptibility to, 3. Last evaluated: 2023-12-31. Review status: criteria provided, single submitter. Criteria: Invitae Variant Classification Sherloc (09022015). Collection method: clinical testing. Allele origin: germline.
Comment: This sequence change falls in intron 1 of the ALK gene. It does not directly change the encoded amino acid sequence of the ALK protein. It affects a nucleotide within the consensus splice site. This variant is not present in population databases (gnomAD no frequency). This variant has not been reported in the literature in individuals affected with ALK-related conditions. Variants that disrupt the consensus splice site are a relatively common cause of aberrant splicing (PMID: 17576681, 9536098). Algorithms developed to predict the effect of sequence changes on RNA splicing suggest that this variant may disrupt the consensus splice site. In summary, the available evidence is currently insufficient to determine the role of this variant in disease. Therefore, it has been classified as a Variant of Uncertain Significance.

GeneDx
Classification: Uncertain significance. Last evaluated: 2023-07-07. Review status: criteria provided, single submitter. Criteria: GeneDx Variant Classification Process June 2021. Collection method: clinical testing. Allele origin: germline. Affected: yes.
Comment: Not observed at significant frequency in large population cohorts (gnomAD); In silico analysis supports a deleterious effect on splicing; Has not been previously published as pathogenic or benign to our knowledge

Literature cited by the submitters: PubMed 17576681 (cited by Labcorp Genetics (formerly Invitae), Labcorp); PubMed 9536098 (cited by Labcorp Genetics (formerly Invitae), Labcorp).